The following is an entry in ClinVar:

ClinVar aggregate classification (germline): Conflicting classifications of pathogenicity. Review status: criteria provided, conflicting classifications (1 of 4 stars). 3 submissions from 3 submitters: Uncertain significance (1); Likely benign (2). Last evaluated 2025-09-04.

Conditions:
Hereditary breast ovarian cancer syndrome. Also called: Hereditary breast and ovarian cancer syndrome; Hereditary breast and ovarian cancer syndrome (HBOC); BRCA1- and BRCA2-Associated Hereditary Breast and Ovarian Cancer; Hereditary breast and ovarian cancer; Breast and ovarian cancer; Hereditary breast and/or ovarian cancer syndrome. Identifiers: Orphanet 145, MedGen C0677776, MeSH D061325, MONDO:0003582. Disease mechanism: loss of function.
Hereditary cancer-predisposing syndrome. Also called: Neoplastic Syndromes, Hereditary; Hereditary neoplastic syndrome; Tumor predisposition; Hereditary Cancer Syndrome. Identifiers: Orphanet 140162, MedGen C0027672, MeSH D009386, MONDO:0015356.

Submissions (3):

Labcorp Genetics (formerly Invitae), Labcorp
Classification: Likely benign for Hereditary breast ovarian cancer syndrome. Last evaluated: 2025-09-04. Review status: criteria provided, single submitter. Criteria: Invitae Variant Classification Sherloc (09022015). Collection method: clinical testing. Allele origin: germline.

Ambry Genetics
Classification: Likely benign for Hereditary cancer-predisposing syndrome. Last evaluated: 2024-03-08. Review status: criteria provided, single submitter. Criteria: Ambry Variant Classification Scheme 2023. Collection method: clinical testing. Allele origin: germline.

Quest Diagnostics Nichols Institute San Juan Capistrano
Classification: Uncertain significance. Last evaluated: 2023-04-05. Review status: criteria provided, single submitter. Criteria: Quest Diagnostics criteria. Collection method: clinical testing. Allele origin: unknown.
Comment: This variant has not been reported in the published literature. It also has not been reported in large, multi-ethnic general populations. Analysis of this variant using software algorithms for the prediction of the effect of nucleotide changes on splicing yielded predictions that this variant does not affect BRCA2 mRNA splicing . Based on the available information, we are unable to determine the clinical significance of this variant.

NM_000059.4(BRCA2):c.3198T>C (p.Asn1066=)

Gene: BRCA2 (BRCA2 DNA repair associated; plus strand). Cytogenetic location: 13q13.1.
Variant type: single nucleotide variant.
Coding change: c.3198T>C on transcript NM_000059.4 (MANE Select); coding-DNA position 3198, T replaced by C.
Protein change: p.Asn1066=; no amino-acid change (asparagine 1066 retained).
Molecular consequence: synonymous variant. On other transcripts: non-coding transcript variant (1), intron variant (2).
Genome position (GRCh38, 1-based): chr13:32,337,553, T>C. VCF-style: chr13-32337553-T-C. GRCh37 (hg19) VCF-style: chr13-32911690-T-C.
Other names: c.3198T>C, p.Asn1066= (NM_001406719.1, NM_001406720.1); c.1909+4166T>C (NM_001406721.1); c.424+6523T>C (NM_001406722.1).
Identifiers: ClinVar variation 2681823 (VCV002681823.3), dbSNP rs2072474776, ClinGen allele CA483437500.